The following is an entry in ClinVar:

ClinVar aggregate classification (germline): Conflicting classifications of pathogenicity. Review status: criteria provided, conflicting classifications (1 of 4 stars). 3 submissions from 3 submitters: Likely pathogenic (2); Uncertain significance (1). Last evaluated 2021-07-15.

Conditions:
Hereditary cancer-predisposing syndrome. Also called: Hereditary neoplastic syndrome; Tumor predisposition; Neoplastic Syndromes, Hereditary; Hereditary Cancer Syndrome. Identifiers: Orphanet 140162, MedGen C0027672, MeSH D009386, MONDO:0015356.
Peutz-Jeghers syndrome (PJS). Also called: Peutz-Jeghers polyposis; Periorificial lentiginosis syndrome; POLYPOSIS, HAMARTOMATOUS INTESTINAL; POLYPS-AND-SPOTS SYNDROME. Identifiers: Orphanet 2869, MedGen C0031269, MeSH D010580, MONDO:0008280, OMIM 175200.

Submissions (3):

Genome-Nilou Lab
Classification: Likely pathogenic for Peutz-Jeghers syndrome. Last evaluated: 2021-07-15. Review status: criteria provided, single submitter. Criteria: ACMG Guidelines, 2015. Collection method: clinical testing. Allele origin: germline. Affected: no.

GeneDx
Classification: Likely pathogenic. Last evaluated: 2017-09-19. Review status: criteria provided, single submitter. Criteria: GeneDx Variant Classification (06012015). Collection method: clinical testing. Allele origin: germline. Affected: yes.
Comment: This variant is denoted STK11 c.481A>T at the cDNA level, p.Ile161Phe (I161F) at the protein level,and results in the change of an Isoleucine to a Phenylalanine (ATT>TTT). This variant has been observed in at leastone family meeting clinical diagnostic criteria of Peutz-Jeghers Syndrome (Borun 2013). STK11 Ile161Phe was notobserved in large population cohorts (NHLBI Exome Sequencing Project, The 1000 Genomes Consortium 2015, Lek2016). Since Isoleucine and Phenylalanine share similar properties, this is considered a conservative amino acidsubstitution. STK11 Ile161Phe occurs at a position where amino acids with properties similar to Isoleucine aretolerated across species and is located within the Protein kinase domain (UniProt). In silico analyses are inconsistentregarding the effect this variant may have on protein structure and function. Based on the currently available evidenceand internal data, we consider STK11 Ile161Phe to be a likely pathogenic variant

Ambry Genetics
Classification: Uncertain significance for Hereditary cancer-predisposing syndrome. Last evaluated: 2016-10-08. Review status: criteria provided, single submitter. Criteria: Ambry Variant Classification Scheme 2023. Collection method: clinical testing. Allele origin: germline.
Comment: The p.I161F variant (also known as c.481A>T), located in coding exon 4 of the STK11 gene, results from an A to T substitution at nucleotide position 481. The isoleucine at codon 161 is replaced by phenylalanine, an amino acid with highly similar properties. This alteration was detected in one patient meeting diagnostic criteria for Peutz-Jeghers syndrome (PJS), however clinical details were limited (Borun P et al. BMC Med. Genet., 2013 May;14:58). This variant was not reported in population based cohorts in the following databases: Database of Single Nucleotide Polymorphisms (dbSNP), NHLBI Exome Sequencing Project (ESP), and 1000 Genomes Project. In the ESP, this variant was not observed in 6316 samples (12632 alleles) with coverage at this position. To date, this alteration has been detected with an allele frequency of approximately 0.001% (greater than 125000 alleles tested) in our clinical cohort. This amino acid position is poorly conserved in available vertebrate species. In addition, this alteration is predicted to be tolerated by in silico analysis. Since supporting evidence is limited at this time, the clinical significance of this alteration remains unclear.

Literature cited by the submitters: PubMed 23718779 (cited by Ambry Genetics).

NM_000455.5(STK11):c.481A>T (p.Ile161Phe)

Gene: STK11 (serine/threonine kinase 11; plus strand). Cytogenetic location: 19p13.3.
Variant type: single nucleotide variant.
Coding change: c.481A>T on transcript NM_000455.5 (MANE Select); coding-DNA position 481, A replaced by T.
Protein change: p.Ile161Phe; replaces isoleucine 161 with phenylalanine.
Molecular consequence: missense variant.
Genome position (GRCh38, 1-based): chr19:1,220,389, A>T. VCF-style: chr19-1220389-A-T. GRCh37 (hg19) VCF-style: chr19-1220388-A-T.
Other names: short protein forms I161F.
Identifiers: ClinVar variation 428774 (VCV000428774.8), dbSNP rs1131690938, ClinGen allele CA402948829.